The following is an entry in ClinVar:

ClinVar aggregate classification (germline): Benign. Review status: criteria provided, multiple submitters, no conflicts (2 of 4 stars). 9 submissions from 9 submitters: Benign (8). 1 of the submissions does not count toward it. Last evaluated 2026-02-04.

Conditions:
Primary ciliary dyskinesia. Also called: Ciliary dyskinesia. Identifiers: Orphanet 244, MedGen C0008780, MONDO:0016575, HP:0012265.
Primary ciliary dyskinesia 3. Identifiers: Orphanet 244, MedGen C1837618, MONDO:0012085, OMIM 608644.

Allele frequency attached by ClinVar (database versions not stated): ESP Exome Variant Server 0.00015; gnomAD exomes 0.00125 and 0.00535; gnomAD 0.00285 and 0.00291; ExAC 0.00413; TOPMed 0.00497; 1000 Genomes Project 0.00499; 1000 Genomes Project 30x 0.00562.
gnomAD v4.1: 2,283 of 1,614,100 alleles (0.14%); highest among the groups gnomAD compares: Admixed American, 3.5%; 44 homozygotes.

Submissions (9):

Labcorp Genetics (formerly Invitae), Labcorp
Classification: Benign for Primary ciliary dyskinesia. Last evaluated: 2026-02-04. Review status: criteria provided, single submitter. Criteria: Invitae Variant Classification Sherloc (09022015). Collection method: clinical testing. Allele origin: germline.

ARUP Laboratories, Molecular Genetics and Genomics, ARUP Laboratories
Classification: Benign for Primary ciliary dyskinesia 3. Last evaluated: 2023-11-22. Review status: criteria provided, single submitter. Criteria: ARUP Molecular Germline Variant Investigation Process 2024. Collection method: clinical testing. Allele origin: germline.

Mayo Clinic Laboratories, Mayo Clinic
Classification: Benign. Last evaluated: 2023-11-08. Review status: criteria provided, single submitter. Criteria: ACMG Guidelines, 2015. Collection method: clinical testing. Allele origin: germline. Observed: 2 variant alleles.
Comment: BS1, BS2, PP3

Illumina Laboratory Services, Illumina
Classification: Benign for Primary ciliary dyskinesia 3. Last evaluated: 2017-04-27. Review status: criteria provided, single submitter. Criteria: ICSL Variant Classification Criteria 13 December 2019. Collection method: clinical testing. Allele origin: germline.
Comment: This variant was observed as part of a predisposition screen in an ostensibly healthy population. A literature search was performed for the gene, cDNA change, and amino acid change (where applicable). No publications were found based on this search. Allele frequency data from public databases was too high to be consistent with this variant causing disease. Therefore, this variant is classified as benign.

Ambry Genetics
Classification: Benign for Primary ciliary dyskinesia. Last evaluated: 2015-01-09. Review status: criteria provided, single submitter. Criteria: Ambry Variant Classification Scheme 2023. Collection method: clinical testing. Allele origin: germline.

Laboratory for Molecular Medicine, Mass General Brigham Personalized Medicine
Classification: Benign. Last evaluated: 2013-02-21. Review status: criteria provided, single submitter. Criteria: LMM Criteria. Collection method: clinical testing. Allele origin: germline. Observed: 1 variant allele.
Comment: Met3486Thr in exon 62 of DNAH5: This variant is not expected to have clinical significance because it has been identified in 3.8% (5/132) of Mexican chromosomes from a broad population by the 1000 Genomes Project (dbSNP rs141651941).

Breakthrough Genomics
Classification: Benign. Review status: criteria provided, single submitter. Criteria: ACMG Guidelines, 2015. Collection method: not provided. Allele origin: germline. Inheritance: Autosomal recessive inheritance. Affected: yes.

PreventionGenetics, part of Exact Sciences
Classification: Benign. Review status: criteria provided, single submitter. Criteria: ACMG Guidelines, 2015. Collection method: clinical testing. Allele origin: germline.

Natera, Inc.
Classification: Benign for Primary ciliary dyskinesia. Last evaluated: 2020-09-16. Review status: no assertion criteria provided. Collection method: clinical testing. Allele origin: germline. Not counted in ClinVar's aggregate classification.

NM_001369.3(DNAH5):c.10457T>C (p.Met3486Thr)

Gene: DNAH5 (dynein axonemal heavy chain 5; minus strand). Cytogenetic location: 5p15.2.
Variant type: single nucleotide variant.
Coding change: c.10457T>C on transcript NM_001369.3 (MANE Select); coding-DNA position 10457, T replaced by C.
Protein change: p.Met3486Thr; replaces methionine 3486 with threonine.
Molecular consequence: missense variant.
Genome position (GRCh38, 1-based): chr5:13,754,301, A>G on the plus strand (T>C on the coding strand, the complement: DNAH5 is on the minus strand). VCF-style: chr5-13754301-A-G. GRCh37 (hg19) VCF-style: chr5-13754410-A-G.
Other names: p.Met3486Thr; short protein forms M3486T.
Identifiers: ClinVar variation 238954 (VCV000238954.27), dbSNP rs141651941, ClinGen allele CA3202219.